The following is an entry in ClinVar:

ClinVar aggregate classification (germline): Likely benign. Review status: criteria provided, multiple submitters, no conflicts (2 of 4 stars). 3 submissions from 3 submitters: Likely benign (3). Last evaluated 2026-09-06.

Conditions:
LRP5-related disorder. Also called: LRP5-related condition.

Allele frequency attached by ClinVar (database versions not stated): TOPMed below 0.00001; gnomAD 0.00001; gnomAD exomes 0.00001.
gnomAD v4.1: 18 of 1,613,990 alleles (0.0011%); highest among the groups gnomAD compares: Non-Finnish European, 0.0015%; no homozygotes.

Submissions (3):

PreventionGenetics, part of Exact Sciences
Classification: Likely benign for LRP5-related condition. Last evaluated: 2026-09-06. Review status: criteria provided, single submitter. Criteria: ACMG Guidelines, 2015. Collection method: clinical testing. Allele origin: germline.
Comment: This variant is classified as likely benign based on ACMG/AMP sequence variant interpretation guidelines (Richards et al. 2015 PMID: 25741868, with internal and published modifications).

Labcorp Genetics (formerly Invitae), Labcorp
Classification: Likely benign. Last evaluated: 2025-06-12. Review status: criteria provided, single submitter. Criteria: Invitae Variant Classification Sherloc (09022015). Collection method: clinical testing. Allele origin: germline.

Blueprint Genetics
Classification: Likely benign. Last evaluated: 2021-01-04. Review status: criteria provided, single submitter. Criteria: ACMG Guidelines, 2015. Collection method: clinical testing. Allele origin: germline.

NM_002335.4(LRP5):c.1147C>T (p.Leu383=)

Gene: LRP5 (LDL receptor related protein 5; plus strand). Cytogenetic location: 11q13.2.
Variant type: single nucleotide variant.
Coding change: c.1147C>T on transcript NM_002335.4 (MANE Select); coding-DNA position 1147, C replaced by T.
Protein change: p.Leu383=; no amino-acid change (leucine 383 retained).
Molecular consequence: synonymous variant. On other transcripts: 5 prime UTR variant (1).
Genome position (GRCh38, 1-based): chr11:68,386,447, C>T. VCF-style: chr11-68386447-C-T. GRCh37 (hg19) VCF-style: chr11-68153915-C-T.
Other names: c.-619C>T (NM_001291902.2); c.1147C>T (NM_002335.3).
Identifiers: ClinVar variation 1093307 (VCV001093307.11), dbSNP rs1346602092, ClinGen allele CA475460681.